The following is an entry in ClinVar:

ClinVar aggregate classification (germline): Uncertain significance (1 of 4 stars; one submission).

Conditions:
Progressive myoclonic epilepsy type 5. Identifiers: Orphanet 402082, MedGen C5190799.

Allele frequency attached by ClinVar (database versions not stated): gnomAD 0.00003 and 0.00005; TOPMed 0.00007; ESP Exome Variant Server 0.00008.
gnomAD v4.1: 58 of 1,614,150 alleles (0.0036%); highest among the groups gnomAD compares: Admixed American, 0.013%; no homozygotes.

Submission:

Labcorp Genetics (formerly Invitae), Labcorp
Classification: Uncertain significance for Progressive myoclonic epilepsy type 5. Last evaluated: 2024-01-04. Review status: criteria provided, single submitter. Criteria: Invitae Variant Classification Sherloc (09022015). Collection method: clinical testing. Allele origin: germline.
Comment: This sequence change replaces arginine, which is basic and polar, with histidine, which is basic and polar, at codon 563 of the PRICKLE2 protein (p.Arg563His). This variant is present in population databases (rs375448087, gnomAD 0.01%). This variant has not been reported in the literature in individuals affected with PRICKLE2-related conditions. ClinVar contains an entry for this variant (Variation ID: 1401438). An algorithm developed to predict the effect of missense changes on protein structure and function (PolyPhen-2) suggests that this variant is likely to be tolerated. In summary, the available evidence is currently insufficient to determine the role of this variant in disease. Therefore, it has been classified as a Variant of Uncertain Significance.

NM_198859.4(PRICKLE2):c.1688G>A (p.Arg563His)

Genes: PRICKLE2 (prickle planar cell polarity protein 2; minus strand), PRICKLE2-AS1 (PRICKLE2 antisense RNA 1; plus strand). Cytogenetic location: 3p14.1.
Variant type: single nucleotide variant.
Coding change: c.1688G>A on transcript NM_198859.4 (MANE Select); coding-DNA position 1688, G replaced by A.
Protein change: p.Arg563His; replaces arginine 563 with histidine.
Molecular consequence: missense variant. On other transcripts: non-coding transcript variant (1).
Genome position (GRCh38, 1-based): chr3:64,099,898, C>T on the plus strand (G>A on the coding strand, the complement: PRICKLE2 is on the minus strand). VCF-style: chr3-64099898-C-T. GRCh37 (hg19) VCF-style: chr3-64085574-C-T.
Other names: c.1688G>A, p.Arg563His (NM_001370528.1); short protein forms R563H.
Identifiers: ClinVar variation 1401438 (VCV001401438.8), dbSNP rs375448087, ClinGen allele CA2479558.